The following is an entry in ClinVar:

ClinVar aggregate classification (germline): Uncertain significance (1 of 4 stars; one submission).

Conditions:
Spastic paraplegia. Identifiers: MedGen C0037772, HP:0001258.

Submission:

Labcorp Genetics (formerly Invitae), Labcorp
Classification: Uncertain significance for Spastic paraplegia. Last evaluated: 2025-05-11. Review status: criteria provided, single submitter. Criteria: Invitae Variant Classification Sherloc (09022015). Collection method: clinical testing. Allele origin: germline.
Comment: This sequence change replaces alanine, which is neutral and non-polar, with proline, which is neutral and non-polar, at codon 244 of the KIF5A protein (p.Ala244Pro). This variant is not present in population databases (gnomAD no frequency). This variant has not been reported in the literature in individuals affected with KIF5A-related conditions. ClinVar contains an entry for this variant (Variation ID: 657812). Invitae Evidence Modeling of protein sequence and biophysical properties (such as structural, functional, and spatial information, amino acid conservation, physicochemical variation, residue mobility, and thermodynamic stability) has been performed for this missense variant. However, the output from this modeling did not meet the statistical confidence thresholds required to predict the impact of this variant on KIF5A protein function. In summary, the available evidence is currently insufficient to determine the role of this variant in disease. Therefore, it has been classified as a Variant of Uncertain Significance.

NM_004984.4(KIF5A):c.730G>C (p.Ala244Pro)

Gene: KIF5A (kinesin family member 5A; plus strand). Cytogenetic location: 12q13.3.
Variant type: single nucleotide variant.
Coding change: c.730G>C on transcript NM_004984.4 (MANE Select); coding-DNA position 730, G replaced by C.
Protein change: p.Ala244Pro; replaces alanine 244 with proline.
Molecular consequence: missense variant.
Genome position (GRCh38, 1-based): chr12:57,568,978, G>C. VCF-style: chr12-57568978-G-C. GRCh37 (hg19) VCF-style: chr12-57962761-G-C.
Other names: c.463G>C, p.Ala155Pro (NM_001354705.2); short protein forms A155P, A244P.
Identifiers: ClinVar variation 657812 (VCV000657812.8), dbSNP rs1594916621, ClinGen allele CA385499856.